The following is an entry in ClinVar:

NM_007294.4(BRCA1):c.1478T>C (p.Ile493Thr)

Gene: BRCA1 (BRCA1 DNA repair associated; minus strand). Cytogenetic location: 17q21.31.
Variant type: single nucleotide variant.
Coding change: c.1478T>C on transcript NM_007294.4 (MANE Select); coding-DNA position 1478, T replaced by C.
Protein change: p.Ile493Thr; replaces isoleucine 493 with threonine.
Molecular consequence: missense variant. On other transcripts: intron variant (137).
Genome position (GRCh38, 1-based): chr17:43,094,053, A>G on the plus strand (T>C on the coding strand, the complement: BRCA1 is on the minus strand). VCF-style: chr17-43094053-A-G. GRCh37 (hg19) VCF-style: chr17-41246070-A-G.
Other names: c.1265T>C, p.Ile422Thr (NM_001407916.1, NM_001407917.1, NM_001407918.1 and 9 more transcripts); c.1355T>C, p.Ile452Thr (NM_001407919.1, NM_001407648.1, NM_001407664.1 and 19 more transcripts); c.1214T>C, p.Ile405Thr (NM_001407921.1, NM_001407920.1, NM_001407922.1 and 9 more transcripts); c.1478T>C, p.Ile493Thr (NM_001407598.1, NM_001407602.1, NM_001407605.1 and 30 more transcripts); c.1475T>C, p.Ile492Thr (NM_001407610.1, NM_001407611.1, NM_001407587.1 and 22 more transcripts); c.1469T>C, p.Ile490Thr (NM_001407646.1, NM_001407647.1); c.1352T>C, p.Ile451Thr (NM_001407649.1, NM_001407670.1, NM_001407671.1 and 11 more transcripts); c.1400T>C, p.Ile467Thr (NM_001407653.1, NM_001407654.1, NM_001407655.1 and 4 more transcripts); and 40 more; short protein forms I493T, I446T, I197T, I382T, I425T, I426T, I451T, I467T.
Identifiers: ClinVar variation 462560 (VCV000462560.15), dbSNP rs1555591707, ClinGen allele CA10599091.

ClinVar aggregate classification (germline): Conflicting classifications of pathogenicity. Review status: criteria provided, conflicting classifications (1 of 4 stars). 3 submissions from 3 submitters: Uncertain significance (2); Likely benign (1). Last evaluated 2023-08-18.

Conditions:
Hereditary cancer-predisposing syndrome. Also called: Neoplastic Syndromes, Hereditary; Hereditary Cancer Syndrome; Hereditary neoplastic syndrome; Tumor predisposition. Identifiers: Orphanet 140162, MedGen C0027672, MeSH D009386, MONDO:0015356.
Hereditary breast ovarian cancer syndrome. Also called: Hereditary breast and ovarian cancer syndrome (HBOC); Hereditary breast and ovarian cancer syndrome; Breast and ovarian cancer; Hereditary breast and/or ovarian cancer syndrome; Hereditary breast and ovarian cancer; BRCA1- and BRCA2-Associated Hereditary Breast and Ovarian Cancer. Identifiers: Orphanet 145, MedGen C0677776, MeSH D061325, MONDO:0003582. Disease mechanism: loss of function.

Submissions (3):

Labcorp Genetics (formerly Invitae), Labcorp
Classification: Uncertain significance for Hereditary breast ovarian cancer syndrome. Last evaluated: 2023-08-18. Review status: criteria provided, single submitter. Criteria: Invitae Variant Classification Sherloc (09022015). Collection method: clinical testing. Allele origin: germline.
Comment: This variant is not present in population databases (gnomAD no frequency). This sequence change replaces isoleucine, which is neutral and non-polar, with threonine, which is neutral and polar, at codon 493 of the BRCA1 protein (p.Ile493Thr). This variant has not been reported in the literature in individuals affected with BRCA1-related conditions. In summary, the available evidence is currently insufficient to determine the role of this variant in disease. Therefore, it has been classified as a Variant of Uncertain Significance. Advanced modeling of protein sequence and biophysical properties (such as structural, functional, and spatial information, amino acid conservation, physicochemical variation, residue mobility, and thermodynamic stability) performed at Invitae indicates that this missense variant is not expected to disrupt BRCA1 protein function. ClinVar contains an entry for this variant (Variation ID: 462560).

University of Washington Department of Laboratory Medicine, University of Washington
Classification: Likely benign for Hereditary cancer-predisposing syndrome. Last evaluated: 2023-03-23. Review status: criteria provided, single submitter. Criteria: Dines et al. (Genet Med. 2020). Collection method: curation. Allele origin: germline.
Comment: Missense variant in a coldspot region where missense variants are very unlikely to be pathogenic (PMID:31911673).

BRCA1 coldspot (exon 11 using historical exon numbering). Reclassification based on statistical prior probability

Color Diagnostics, LLC DBA Color Health
Classification: Uncertain significance for Hereditary cancer-predisposing syndrome. Last evaluated: 2019-04-06. Review status: criteria provided, single submitter. Criteria: ACMG Guidelines, 2015. Collection method: clinical testing. Allele origin: germline.